The following is an entry in ClinVar:

ClinVar aggregate classification (germline): Pathogenic/Likely pathogenic. Review status: criteria provided, multiple submitters, no conflicts (2 of 4 stars). 4 submissions from 4 submitters: Pathogenic (2); Likely pathogenic (2). Last evaluated 2026-03-18.

Conditions:
Beckwith-Wiedemann syndrome (BWS). Also called: Exomphalos macroglossia gigantism syndrome; EMG SYNDROME. Identifiers: Orphanet 116, MedGen C0004903, MONDO:0007534, OMIM 130650.

Submissions (4):

Dasa
Classification: Pathogenic. Last evaluated: 2026-03-18. Review status: criteria provided, single submitter. Criteria: DASA Assertion Criteria. Collection method: clinical testing. Allele origin: germline.
Comment: NM_001122630.2(CDKN1C):c.176C>T (p.Pro59Leu) is a missense variant that results in the substitution of proline with leucine. De novo occurrence has been reported in an individual with related phenotype. Segregation evidence has been reported in affected families. This variant has been recurrently observed in individuals with related phenotype (PMID: 26077438; PMID: 10424811). Multiple computational predictions support a deleterious effect on the gene or gene product. The variant is present at low frequency in population datasets. Based on the available data, this variant is classified as pathogenic.

Labcorp Genetics (formerly Invitae), Labcorp
Classification: Pathogenic for Beckwith-Wiedemann syndrome. Last evaluated: 2024-05-01. Review status: criteria provided, single submitter. Criteria: Invitae Variant Classification Sherloc (09022015). Collection method: clinical testing. Allele origin: germline.
Comment: This sequence change replaces proline, which is neutral and non-polar, with leucine, which is neutral and non-polar, at codon 70 of the CDKN1C protein (p.Pro70Leu). This variant is not present in population databases (gnomAD no frequency). This missense change has been observed in individual(s) with Beckwith-Wiedemann syndrome (PMID: 10424811, 26077438). In at least one individual the variant was observed to be de novo. It has also been observed to segregate with disease in related individuals. This variant is also known as 1435C→T and p.P59L.. ClinVar contains an entry for this variant (Variation ID: 132842). Advanced modeling of protein sequence and biophysical properties (such as structural, functional, and spatial information, amino acid conservation, physicochemical variation, residue mobility, and thermodynamic stability) performed at Invitae indicates that this missense variant is not expected to disrupt CDKN1C protein function with a negative predictive value of 80%. For these reasons, this variant has been classified as Pathogenic.

GeneDx
Classification: Likely pathogenic. Last evaluated: 2023-05-02. Review status: criteria provided, single submitter. Criteria: GeneDx Variant Classification Process June 2021. Collection method: clinical testing. Allele origin: germline. Affected: yes.
Comment: Reported in a proband and affected mother, but the features of Beckwith-Wiedemann syndrome seen in these individuals were not delineated; the proband was also reported to have a de novo variant in another gene felt to be causative for the proband's profound intellectual disability (Hiraide et al., 2021); Not observed at significant frequency in large population cohorts (gnomAD); In silico analysis supports that this missense variant has a deleterious effect on protein structure/function; This variant is associated with the following publications: (PMID: 10424811, 26077438, 33644862)

Clinical Genetics and Genomics, Karolinska University Hospital
Classification: Likely pathogenic. Last evaluated: 2015-12-10. Review status: criteria provided, single submitter. Criteria: ACMG Guidelines, 2015. Collection method: clinical testing. Allele origin: germline. Affected: yes. Observed: 1 variant allele.

Literature cited by the submitters: PubMed 26077438 (cited by Dasa and Labcorp Genetics (formerly Invitae), Labcorp); PubMed 10424811 (cited by Dasa and Labcorp Genetics (formerly Invitae), Labcorp).

NM_001122630.2(CDKN1C):c.176C>T (p.Pro59Leu)

Gene: CDKN1C (cyclin dependent kinase inhibitor 1C; minus strand). Cytogenetic location: 11p15.4.
Variant type: single nucleotide variant.
Coding change: c.176C>T on transcript NM_001122630.2 (MANE Select); coding-DNA position 176, C replaced by T.
Protein change: p.Pro59Leu; replaces proline 59 with leucine.
Molecular consequence: missense variant.
Genome position (GRCh38, 1-based): chr11:2,885,281, G>A on the plus strand (C>T on the coding strand, the complement: CDKN1C is on the minus strand). VCF-style: chr11-2885281-G-A. GRCh37 (hg19) VCF-style: chr11-2906511-G-A.
Other names: c.209C>T, p.Pro70Leu (NM_000076.2, NM_001362474.2, LRG_533t1); c.176C>T, p.Pro59Leu (NM_001122631.2, NM_001362475.2); short protein forms P70L, P59L.
Identifiers: ClinVar variation 132842 (VCV000132842.6), dbSNP rs483352970, ClinGen allele CA216367420.